The following is an entry in ClinVar:

ClinVar aggregate classification (germline): Benign (1 of 4 stars; one submission).

Submission:

GeneDx
Classification: Benign. Last evaluated: 2018-06-14. Review status: criteria provided, single submitter. Criteria: GeneDx Variant Classification (06012015). Collection method: clinical testing. Allele origin: germline. Affected: yes.
Comment: This variant is considered likely benign or benign based on one or more of the following criteria: it is a conservative change, it occurs at a poorly conserved position in the protein, it is predicted to be benign by multiple in silico algorithms, and/or has population frequency not consistent with disease.

NM_016938.5(EFEMP2):c.491-28_491-22del

Gene: EFEMP2 (EGF containing fibulin extracellular matrix protein 2; minus strand). Cytogenetic location: 11q13.1.
Variant type: Microsatellite.
Coding change: c.491-28_491-22del on transcript NM_016938.5 (MANE Select); 28 bases into the intron before coding-DNA position 491 through 22 bases into the intron before coding-DNA position 491, 7 bases deleted (GCCCTCC; older notation c.491-28_491-22delGCCCTCC).
Molecular consequence: intron variant.
Genome position (GRCh38, 1-based): chr11:65,870,259-65,870,265, GGAGGGC deleted on the plus strand (GCCCTCC on the coding strand, the reverse complement: EFEMP2 is on the minus strand); deleting any 7 consecutive bases within chr11:65,870,259-65,870,272 gives the same sequence; the c. name uses the placement nearest the transcript's 3' end. VCF-style (leftmost placement, unchanged base first): chr11-65870258-AGGAGGGC-A. GRCh37 (hg19) VCF-style: chr11-65637729-AGGAGGGC-A.
Identifiers: ClinVar variation 679553 (VCV000679553.1), dbSNP rs149021732, ClinGen allele CA6110638.
Genomic context (GRCh38, chr11:65,870,258, plus strand): 5'-CAGCGGTGCTGGCAGTAGCGGTAGCGGCACTCGTCTATGTCTAGGGATAGAGGCAGGAGA[AGGAGGGC>A]GGAGGGCAGAGGGCAGAGGGCAGGTGGGCTCGAGCCGGCTGGGACTCAAGGCTTCACCAC-3'